The following is an entry in ClinVar:

NM_001134407.3(GRIN2A):c.*2764_*2774dup

Gene: GRIN2A (glutamate ionotropic receptor NMDA type subunit 2A; minus strand). Cytogenetic location: 16p13.2.
Variant type: Duplication.
Coding change: c.*2764_*2774dup on transcript NM_001134407.3 (MANE Select); 2764 bases downstream of the stop codon through 2774 bases downstream of the stop codon, 11 bases duplicated (AAAAAAAAAAA).
Molecular consequence: 3 prime UTR variant.
Genome position (GRCh38, 1-based): chr16:9,760,375-9,760,385, TTTTTTTTTTT duplicated on the plus strand (AAAAAAAAAAA on the coding strand, the reverse complement: GRIN2A is on the minus strand); duplicating any 11 consecutive bases within chr16:9,760,375-9,760,398 gives the same sequence; the c. name uses the placement nearest the transcript's 3' end. VCF-style (leftmost placement, unchanged base first): chr16-9760374-A-ATTTTTTTTTTT. GRCh37 (hg19) VCF-style: chr16-9854231-A-ATTTTTTTTTTT.
Other names: c.*2764_*2774dup (NM_000833.5); c.*2970_*2980dup (NM_001134408.2).
Identifiers: ClinVar variation 2646193 (VCV002646193.24), dbSNP rs35189803, ClinGen allele CA974529793.

ClinVar aggregate classification (germline): Benign (1 of 4 stars; one submission).

Submission:

CeGaT Center for Human Genetics Tuebingen
Classification: Benign. Last evaluated: 2022-07-01. Review status: criteria provided, single submitter. Criteria: CeGaT Center For Human Genetics Tuebingen Variant Classification Criteria Version 2. Collection method: clinical testing. Allele origin: germline. Affected: yes. Observed: 1 variant allele.
Comment: GRIN2A: BS1, BS2